The following is an entry in ClinVar:

NM_001042492.3(NF1):c.5331C>T (p.Val1777=)

Gene: NF1 (neurofibromin 1; plus strand). Cytogenetic location: 17q11.2.
Variant type: single nucleotide variant.
Coding change: c.5331C>T on transcript NM_001042492.3 (MANE Select); coding-DNA position 5331, C replaced by T.
Protein change: p.Val1777=; no amino-acid change (valine 1777 retained).
Molecular consequence: synonymous variant.
Genome position (GRCh38, 1-based): chr17:31,327,561, C>T. VCF-style: chr17-31327561-C-T. GRCh37 (hg19) VCF-style: chr17-29654579-C-T.
Other names: c.5268C>T, p.Val1756= (NM_000267.4).
Identifiers: ClinVar variation 2812255 (VCV002812255.4), dbSNP rs2151540998, ClinGen allele CA499233338.
Genomic context (GRCh38, chr17:31,327,561, plus strand): 5'-TGGTTCTACTGCTGTCCAAGTAACTTCAGCAGAGCGAACAAAAGTCCTAGGGCAATCAGT[C>T]TTTCTAAATGACATTTATTATGCTTCGGAAATTGAAGAAATCTGCCTAGTAGATGAGAAC-3'
Protein context (NP_001035957.1, residues 1767-1787): AERTKVLGQS[Val1777=]FLNDIYYASE

ClinVar aggregate classification (germline): Benign/Likely benign. Review status: criteria provided, multiple submitters, no conflicts (2 of 4 stars). 2 submissions from 2 submitters: Benign (1); Likely benign (1). Last evaluated 2026-09-28.

Conditions:
Neurofibromatosis, type 1 (NF1). Also called: VON RECKLINGHAUSEN DISEASE; NEUROFIBROMATOSIS, TYPE I, SOMATIC; Peripheral type neurofibromatosis; Neurofibromatosis, type I. Identifiers: Orphanet 636, MedGen C0027831, MONDO:0018975, OMIM 162200. Disease mechanism: loss of function.

Allele frequency attached by ClinVar (database versions not stated): gnomAD exomes below 0.00001.
gnomAD v4.1: 1 of 1,614,190 alleles (0.000062%); highest among the groups gnomAD compares: Non-Finnish European, 0.000085%; no homozygotes.

Submissions (2):

Myriad Genetics, Inc.
Classification: Benign for Neurofibromatosis, type 1. Last evaluated: 2026-09-28. Review status: criteria provided, single submitter. Criteria: Myriad Autosomal Dominant, Autosomal Recessive and X-Linked Classification Criteria (2023). Collection method: clinical testing. Allele origin: unknown.
Comment: This variant is considered benign. This variant is a silent/synonymous amino acid change and it is not expected to impact splicing.

Labcorp Genetics (formerly Invitae), Labcorp
Classification: Likely benign for Neurofibromatosis, type 1. Last evaluated: 2023-06-02. Review status: criteria provided, single submitter. Criteria: Invitae Variant Classification Sherloc (09022015). Collection method: clinical testing. Allele origin: germline.